The following is an entry in ClinVar:

ClinVar aggregate classification (germline): Uncertain significance (1 of 4 stars; one submission).

Allele frequency attached by ClinVar (database versions not stated): gnomAD exomes 0.00001 and 0.00002; TOPMed 0.00001; ExAC 0.00002.

Submission:

Labcorp Genetics (formerly Invitae), Labcorp
Classification: Uncertain significance. Last evaluated: 2022-03-01. Review status: criteria provided, single submitter. Criteria: Invitae Variant Classification Sherloc (09022015). Collection method: clinical testing. Allele origin: germline.
Comment: This sequence change replaces proline, which is neutral and non-polar, with leucine, which is neutral and non-polar, at codon 50 of the AGBL5 protein (p.Pro50Leu). This variant is present in population databases (rs780114785, gnomAD 0.01%). This variant has not been reported in the literature in individuals affected with AGBL5-related conditions. ClinVar contains an entry for this variant (Variation ID: 846344). Algorithms developed to predict the effect of missense changes on protein structure and function are either unavailable or do not agree on the potential impact of this missense change (SIFT: "Deleterious"; PolyPhen-2: "Benign"; Align-GVGD: "Class C35"). In summary, the available evidence is currently insufficient to determine the role of this variant in disease. Therefore, it has been classified as a Variant of Uncertain Significance.

NM_021831.6(AGBL5):c.149C>T (p.Pro50Leu)

Gene: AGBL5 (AGBL carboxypeptidase 5; plus strand). Cytogenetic location: 2p23.3.
Variant type: single nucleotide variant.
Coding change: c.149C>T on transcript NM_021831.6 (MANE Select); coding-DNA position 149, C replaced by T.
Protein change: p.Pro50Leu; replaces proline 50 with leucine.
Molecular consequence: missense variant. On other transcripts: non-coding transcript variant (2).
Genome position (GRCh38, 1-based): chr2:27,053,107, C>T. VCF-style: chr2-27053107-C-T. GRCh37 (hg19) VCF-style: chr2-27275975-C-T.
Other names: c.149C>T, p.Pro50Leu (NM_001035507.3); short protein forms P50L.
Identifiers: ClinVar variation 846344 (VCV000846344.8), dbSNP rs780114785, ClinGen allele CA1567558.